The following is an entry in ClinVar:

ClinVar aggregate classification (germline): Uncertain significance (1 of 4 stars; one submission).

Conditions:
Early-infantile DEE. Also called: Early infantile epileptic encephalopathy; Ohtahara syndrome; Early infantile epileptic encephalopathy with suppression bursts. Identifiers: Orphanet 1934, MedGen C0393706, MONDO:0800491.

Submission:

Labcorp Genetics (formerly Invitae), Labcorp
Classification: Uncertain significance for Early-infantile DEE. Last evaluated: 2024-06-07. Review status: criteria provided, single submitter. Criteria: Invitae Variant Classification Sherloc (09022015). Collection method: clinical testing. Allele origin: germline.
Comment: This sequence change replaces phenylalanine, which is neutral and non-polar, with leucine, which is neutral and non-polar, at codon 1600 of the SCN1A protein (p.Phe1600Leu). This variant is not present in population databases (gnomAD no frequency). This variant has not been reported in the literature in individuals affected with SCN1A-related conditions. Advanced modeling of protein sequence and biophysical properties (such as structural, functional, and spatial information, amino acid conservation, physicochemical variation, residue mobility, and thermodynamic stability) performed at Invitae indicates that this missense variant is expected to disrupt SCN1A protein function with a positive predictive value of 95%. In summary, the available evidence is currently insufficient to determine the role of this variant in disease. Therefore, it has been classified as a Variant of Uncertain Significance.

NM_001165963.4(SCN1A):c.4800T>A (p.Phe1600Leu)

Genes: SCN1A (sodium voltage-gated channel alpha subunit 1; minus strand), LOC102724058 (uncharacterized LOC102724058; plus strand). Cytogenetic location: 2q24.3.
Variant type: single nucleotide variant.
Coding change: c.4800T>A on transcript NM_001165963.4 (MANE Select); coding-DNA position 4800, T replaced by A.
Protein change: p.Phe1600Leu; replaces phenylalanine 1600 with leucine.
Molecular consequence: missense variant. On other transcripts: non-coding transcript variant (1).
Genome position (GRCh38, 1-based): chr2:165,994,198, A>T on the plus strand (T>A on the coding strand, the complement: SCN1A is on the minus strand). VCF-style: chr2-165994198-A-T. GRCh37 (hg19) VCF-style: chr2-166850708-A-T.
Other names: c.4767T>A, p.Phe1589Leu (NM_001353951.2, NM_001353952.2, NM_001353949.2 and 2 more transcripts); c.4764T>A, p.Phe1588Leu (NM_001353954.2, NM_001353955.2); c.4716T>A, p.Phe1572Leu (NM_001353957.2, NM_001353958.2, NM_001165964.3); c.4713T>A, p.Phe1571Leu (NM_001353960.2); c.2358T>A, p.Phe786Leu (NM_001353961.2); c.4800T>A, p.Phe1600Leu (NM_001202435.3, NM_001353948.2); short protein forms F786L, F1571L, F1589L, F1572L, F1588L, F1600L.
Identifiers: ClinVar variation 3634007 (VCV003634007.2).